The following is an entry in ClinVar:

ClinVar aggregate classification (germline): Likely pathogenic (1 of 4 stars; one submission).

Conditions:
Duchenne muscular dystrophy (DMD). Also called: MUSCULAR DYSTROPHY, PSEUDOHYPERTROPHIC PROGRESSIVE, DUCHENNE TYPE; Duchenne Muscular Dystrophy (DMD). Identifiers: Orphanet 98896, MedGen C0013264, MONDO:0010679, OMIM 310200.

Submission:

Labcorp Genetics (formerly Invitae), Labcorp
Classification: Likely pathogenic for Duchenne muscular dystrophy. Last evaluated: 2022-09-25. Review status: criteria provided, single submitter. Criteria: Invitae Variant Classification Sherloc (09022015). Collection method: clinical testing. Allele origin: germline.
Comment: This variant results in a copy number gain of the genomic region encompassing exon(s) 55 of the DMD gene. While the exact position of this variant cannot be determined from the data, sub-genic copy number gains are generally in tandem (PMID: 25640679). This variant is predicted to be out-of-frame, and may result in an absent or disrupted protein product. Loss-of-function variants in DMD are known to be pathogenic (PMID: 16770791, 25007885). A similar copy number variant has been observed in individual(s) with Duchenne muscular dystrophy (PMID: 18853462). In summary, the currently available evidence indicates that the variant is pathogenic, but additional data are needed to prove that conclusively. Therefore, this variant has been classified as Likely Pathogenic.

Literature cited by the submitters: PubMed 25640679; PubMed 16770791; PubMed 25007885; PubMed 18853462.

NC_000023.10:g.(?_31613687)_(31645989_?)dup

Gene: DMD (dystrophin; minus strand). Cytogenetic location: Xp21.1.
Variant type: Duplication.
Identifiers: ClinVar variation 666228 (VCV000666228.6).